The following is an entry in ClinVar:

NM_004447.6(EPS8):c.525A>G (p.Leu175=)

Gene: EPS8 (EGFR pathway substrate 8, signaling adaptor; minus strand). Cytogenetic location: 12p12.3.
Variant type: single nucleotide variant.
Coding change: c.525A>G on transcript NM_004447.6 (MANE Select); coding-DNA position 525, A replaced by G.
Protein change: p.Leu175=; no amino-acid change (leucine 175 retained).
Molecular consequence: synonymous variant.
Genome position (GRCh38, 1-based): chr12:15,666,514, T>C on the plus strand (A>G on the coding strand, the complement: EPS8 is on the minus strand). VCF-style: chr12-15666514-T-C. GRCh37 (hg19) VCF-style: chr12-15819448-T-C.
Identifiers: ClinVar variation 929875 (VCV000929875.4), dbSNP rs1945713991, ClinGen allele CA478751393.

ClinVar aggregate classification (germline): Likely benign (1 of 4 stars; one submission).

Allele frequency attached by ClinVar (database versions not stated): TOPMed below 0.00001.

Submission:

Laboratory for Molecular Medicine, Mass General Brigham Personalized Medicine
Classification: Likely benign. Last evaluated: 2019-08-28. Review status: criteria provided, single submitter. Criteria: LMM Criteria. Collection method: clinical testing. Allele origin: germline. Observed: 1 variant allele.
Comment: The p.Leu175Leu variant in EPS8 is classified as likely benign because it does not alter an amino acid residue, it is not located within the splice consensus sequence, and splice prediction algorithms do not predict a newly created splice site. ACMG/AMP Criteria applied: BP4, BP7.